The following is an entry in ClinVar:

NM_001204.7(BMPR2):c.689_690del (p.Lys230fs)

Gene: BMPR2 (bone morphogenetic protein receptor type 2; plus strand). Cytogenetic location: 2q33.2.
Variant type: Deletion.
Coding change: c.689_690del on transcript NM_001204.7 (MANE Select); coding-DNA positions 689 to 690, 2 bases deleted (AA; older notation c.689_690delAA).
Protein change: p.Lys230fs; shifts the reading frame from lysine 230.
Molecular consequence: frameshift variant.
Genome position (GRCh38, 1-based): chr2:202,518,889-202,518,890, AA deleted; deleting any 2 consecutive bases within chr2:202,518,887-202,518,890 gives the same sequence; the c. name uses the placement nearest the transcript's 3' end. VCF-style (leftmost placement, unchanged base first): chr2-202518886-TAA-T. GRCh37 (hg19) VCF-style: chr2-203383609-TAA-T.
Other names: c.689_690del, p.K230Sfs*25 (LRG_712t1); short protein forms K230fs.
Identifiers: ClinVar variation 425814 (VCV000425814.10), dbSNP rs1085307251, ClinGen allele CA645293811.

ClinVar aggregate classification (germline): Pathogenic. Review status: criteria provided, multiple submitters, no conflicts (2 of 4 stars). 3 submissions from 3 submitters: Pathogenic (2). 1 of the submissions does not count toward it. Last evaluated 2021-03-30.

Conditions:
BMPR2-related disorder. Also called: BMPR2-related condition; BMPR2-related disorders.
Pulmonary hypertension, primary, 1 (PPH1). Also called: Pulmonary hypertension, familial primary, 1, with or without HHT. Identifiers: Orphanet 422, MedGen C4552070, MONDO:0024533, OMIM 178600.

Submissions (3):

Blueprint Genetics
Classification: Pathogenic for BMPR2-related disorders. Last evaluated: 2021-03-30. Review status: criteria provided, single submitter. Criteria: ACMG Guidelines, 2015. Collection method: clinical testing. Allele origin: germline. Affected: yes. Observed: 2 variant alleles.

ARUP Laboratories, Molecular Genetics and Genomics, ARUP Laboratories
Classification: Pathogenic. Last evaluated: 2019-09-07. Review status: criteria provided, single submitter. Criteria: ARUP Molecular Germline Variant Investigation Process. Collection method: clinical testing. Allele origin: germline.
Comment: The BMPR2 c.689_690delAA; p.Lys230fs variant (rs1085307251) is reported in individuals and families with primary pulmonary hypertension (Girerd 2010, Machado 2001, Sztrymf 2008). The variant is reported in the ClinVar database (Variation ID: 425814) but is absent from the general population databases (Exome Variant Server, Genome Aggregation Database), indicating it is not a common polymorphism. This variant causes a frameshift by deleting 2 nucleotides, so it is predicted to result in a truncated protein or mRNA subject to nonsense-mediated decay. Considering available information, this variant is classified as pathogenic. References: Girerd B et al. Absence of influence of gender and BMPR2 mutation type on clinical phenotypes of pulmonary arterial hypertension. Respir Res. 2010 Jun 10;11:73. Machado RD et al. BMPR2 haploinsufficiency as the inherited molecular mechanism for primary pulmonary hypertension. Am J Hum Genet. 2001 Jan;68(1):92-102. Sztrymf B et al. Clinical outcomes of pulmonary arterial hypertension in carriers of BMPR2 mutation. Am J Respir Crit Care Med. 2008 Jun 15;177(12):1377-83.

Rare Disease Genomics Group, St George's University of London
Classification: Pathogenic for Primary pulmonary hypertension. Review status: no assertion criteria provided. Collection method: literature only. Allele origin: germline. Affected: yes. Not counted in ClinVar's aggregate classification.

Literature cited by the submitters: PubMed 11115378 (cited by Rare Disease Genomics Group, St George's University of London).